The following is an entry in ClinVar:

NM_004667.6(HERC2):c.5402A>C (p.Asn1801Thr)

Gene: HERC2 (HECT and RLD domain containing E3 ubiquitin protein ligase 2; minus strand). Cytogenetic location: 15q13.1.
Variant type: single nucleotide variant.
Coding change: c.5402A>C on transcript NM_004667.6 (MANE Select); coding-DNA position 5402, A replaced by C.
Protein change: p.Asn1801Thr; replaces asparagine 1801 with threonine.
Molecular consequence: missense variant.
Genome position (GRCh38, 1-based): chr15:28,228,280, T>G on the plus strand (A>C on the coding strand, the complement: HERC2 is on the minus strand). VCF-style: chr15-28228280-T-G. GRCh37 (hg19) VCF-style: chr15-28473426-T-G.
Other names: short protein forms N1801T.
Identifiers: ClinVar variation 3378112 (VCV003378112.1).

ClinVar aggregate classification (germline): Uncertain significance (1 of 4 stars; one submission).

gnomAD v4.1: 2 of 1,613,114 alleles (0.00012%); highest among the groups gnomAD compares: African/African-American, 0.0027%; no homozygotes.

Submission:

GeneDx
Classification: Uncertain significance. Last evaluated: 2024-05-15. Review status: criteria provided, single submitter. Criteria: GeneDx Variant Classification Process June 2021. Collection method: clinical testing. Allele origin: germline. Affected: yes.
Comment: Not observed at significant frequency in large population cohorts (gnomAD); In silico analysis indicates that this missense variant does not alter protein structure/function; Has not been previously published as pathogenic or benign to our knowledge